The following is an entry in ClinVar:

NM_003200.5(TCF3):c.1543GAG[2] (p.Glu517del)

Gene: TCF3 (transcription factor 3; minus strand). Cytogenetic location: 19p13.3.
Variant type: Microsatellite.
Coding change: c.1543GAG[2] on transcript NM_003200.5 (MANE Select); two copies in a row of the 3-base unit GAG starting at c.1543; the reference has three copies in a row; one copy, 3 bases deleted; also written c.1549_1551del.
Protein change: p.Glu517del; deletes glutamic acid 517.
Molecular consequence: inframe deletion.
Genome position (GRCh38, 1-based): chr19:1,615,721-1,615,723, CTC deleted on the plus strand (GAG on the coding strand, the reverse complement: TCF3 is on the minus strand); deleting any 3 consecutive bases within chr19:1,615,721-1,615,730 gives the same sequence; the position shown is the placement nearest the transcript's 3' end. VCF-style (leftmost placement, unchanged base first): chr19-1615720-TCTC-T. GRCh37 (hg19) VCF-style: chr19-1615719-TCTC-T.
Other names: c.1543GAG[2], p.Glu517del (NM_001136139.4, NM_001351779.2); c.1540GAG[2], p.Glu516del (NM_001351778.2); c.1549_1551del (NM_003200.5); short protein forms E516del, E517del.
Identifiers: ClinVar variation 2585190 (VCV002585190.1), dbSNP rs1568334096, ClinGen allele CA631302821.
Genomic context (GRCh38, chr19:1,615,720, plus strand): 5'-GGGAGTGCCGAGGGGTGGGTTGGCACCTGGTCCGGGCCCGGGGGGCCTTCAGCTCCTTCT[TCTC>T]CTCCTCCGAGTGGTCAGCCGCTGACGTGTTCTCCTCGTCCTCCTTCTCCTCCCGCTTGAT-3'

ClinVar aggregate classification (germline): Uncertain significance (1 of 4 stars; one submission).

Conditions:
Agammaglobulinemia 8, autosomal dominant (AGM8A). Also called: AGAMMAGLOBULINEMIA, AUTOSOMAL DOMINANT, DUE TO TCF3 DEFECT; AGAMMAGLOBULINEMIA 8A, AUTOSOMAL DOMINANT. Identifiers: MedGen C4310786, MONDO:0014840, OMIM 616941.

Submission:

Neuberg Centre For Genomic Medicine, NCGM
Classification: Uncertain significance for Agammaglobulinemia 8, autosomal dominant. Review status: criteria provided, single submitter. Criteria: ACMG Guidelines, 2015. Collection method: clinical testing. Allele origin: germline. Inheritance: Autosomal dominant inheritance. Affected: yes.
Comment: The inframe deletion variant c.1549_1551del (p.Glu517del) in TCF3 gene has not been reported previously as a pathogenic variant nor as a benign variant, to our knowledge. The p.Glu517del variant is novel (not in any individuals) in 1000 Genomes and allele frequency of 0.003198% is reported in gnomAD. This p.Glu517del causes deletion of amino acid Glutamic Acid at position 517. For these reasons, this variant has been classified as Uncertain Significance.